The following is an entry in ClinVar:

NM_000092.5(COL4A4):c.1696+1G>A

Gene: COL4A4 (collagen type IV alpha 4 chain; minus strand). Cytogenetic location: 2q36.3.
Variant type: single nucleotide variant.
Coding change: c.1696+1G>A on transcript NM_000092.5 (MANE Select); the canonical splice donor site of the intron after coding-DNA position 1696, G replaced by A.
Molecular consequence: splice donor variant.
Genome position (GRCh38, 1-based): chr2:227,082,114, C>T on the plus strand (G>A on the coding strand, the complement: COL4A4 is on the minus strand). VCF-style: chr2-227082114-C-T. GRCh37 (hg19) VCF-style: chr2-227946830-C-T.
Identifiers: ClinVar variation 555876 (VCV000555876.9), dbSNP rs954701825, ClinGen allele CA350847529.

ClinVar aggregate classification (germline): Likely pathogenic. Review status: criteria provided, multiple submitters, no conflicts (2 of 4 stars). 5 submissions from 5 submitters: Likely pathogenic (3). 2 of the submissions do not count toward it. Last evaluated 2025-06-18.

Conditions:
Autosomal recessive Alport syndrome (ATS2). Also called: ALPORT SYNDROME 2, AUTOSOMAL RECESSIVE; Alport syndrome type 2; COL4A3-Related Nephropathy; COL4A4 Alport Syndrome and Thin Basement Membrane Nephropathy. Identifiers: Orphanet 63, Orphanet 88919, MedGen C4746745, MONDO:0008762, OMIM 203780.
Hematuria, benign familial, 1 (BFH1). Also called: THIN MEMBRANE NEPHROPATHY. Identifiers: MedGen CN376803, MONDO:0007709, OMIM 141200.
COL4A4-related disorder.
Alport syndrome. Also called: Hemorrhagic familial nephritis; Hemorrhagic hereditary nephritis; Congenital hereditary hematuria. Identifiers: Orphanet 63, MedGen C1567741, MONDO:0018965.

gnomAD v4.1: 2 of 1,613,962 alleles (0.00012%); highest among the groups gnomAD compares: African/African-American, 0.0013%; no homozygotes.

Submissions (5):

Natera, Inc.
Classification: Likely pathogenic for Alport syndrome. Last evaluated: 2025-06-18. Review status: criteria provided, single submitter. Criteria: Natera Variant Classification Schema (03/2026). Collection method: clinical testing. Allele origin: germline.
Comment: The c.1696+1G>A variant in COL4A4 is a canonical splice donor site variant predicted to affect pre-mRNA splicing, which may result in an abnormal transcript and altered protein product. This variant is expected to result in nonsense mediated decay, truncation, or a dysfunctional protein product. This variant is rare in the general population with a frequency below the threshold expected for the associated phenotype(s). Given the available evidence, this variant is classified as Likely Pathogenic.

Fulgent Genetics
Classification: Likely pathogenic for Hematuria, benign familial, 1; Autosomal recessive Alport syndrome. Last evaluated: 2024-04-04. Review status: criteria provided, single submitter. Criteria: ACMG Guidelines, 2015. Collection method: clinical testing. Allele origin: germline.

Labcorp Genetics (formerly Invitae), Labcorp
Classification: Likely pathogenic. Last evaluated: 2024-01-04. Review status: criteria provided, single submitter. Criteria: Invitae Variant Classification Sherloc (09022015). Collection method: clinical testing. Allele origin: germline.
Comment: This sequence change affects a donor splice site in intron 23 of the COL4A4 gene. It is expected to disrupt RNA splicing. Variants that disrupt the donor or acceptor splice site typically lead to a loss of protein function (PMID: 16199547), and loss-of-function variants in COL4A4 are known to be pathogenic (PMID: 21196518, 24854265, 25307543). This variant is not present in population databases (gnomAD no frequency). This variant has not been reported in the literature in individuals affected with COL4A4-related conditions. ClinVar contains an entry for this variant (Variation ID: 555876). Algorithms developed to predict the effect of sequence changes on RNA splicing suggest that this variant may disrupt the consensus splice site. In summary, the currently available evidence indicates that the variant is pathogenic, but additional data are needed to prove that conclusively. Therefore, this variant has been classified as Likely Pathogenic.

PreventionGenetics, part of Exact Sciences
Classification: Pathogenic for COL4A4-related condition. Last evaluated: 2024-06-04. Review status: no assertion criteria provided. Collection method: clinical testing. Allele origin: germline. Not counted in ClinVar's aggregate classification.
Comment: The COL4A4 c.1696+1G>A variant is predicted to disrupt the GT donor site and interfere with normal splicing. To our knowledge, this variant has not been reported in the literature. This variant has not been reported in a large population database, indicating this variant is rare. Variants that disrupt the consensus splice donor site in COL4A4 are expected to be pathogenic. This variant is interpreted as pathogenic.

Counsyl
Classification: Likely pathogenic for Autosomal recessive Alport syndrome. Last evaluated: 2018-01-02. Review status: no assertion criteria provided. Collection method: clinical testing. Allele origin: unknown. Not counted in ClinVar's aggregate classification.

Literature cited by the submitters: PubMed 16199547 (cited by Labcorp Genetics (formerly Invitae), Labcorp); PubMed 21196518 (cited by Labcorp Genetics (formerly Invitae), Labcorp); PubMed 24854265 (cited by Labcorp Genetics (formerly Invitae), Labcorp); PubMed 25307543 (cited by Labcorp Genetics (formerly Invitae), Labcorp).